The following is an entry in ClinVar:

ClinVar aggregate classification (germline): Conflicting classifications of pathogenicity. Review status: criteria provided, conflicting classifications (1 of 4 stars). 4 submissions from 4 submitters: Likely pathogenic (1); Uncertain significance (2). 1 of the submissions does not count toward it. Last evaluated 2024-07-16.

Conditions:
Cardiovascular phenotype. Identifiers: MedGen CN230736.
TNNI3-related disorder. Also called: TNNI3-related condition; TNNI3-related disorders.
Hypertrophic cardiomyopathy. Also called: HYPERTROPHIC MYOCARDIOPATHY. Identifiers: Orphanet 217569, MedGen C0007194, MeSH D002312, MONDO:0005045, HP:0001639.

Submissions (4):

Labcorp Genetics (formerly Invitae), Labcorp
Classification: Uncertain significance for Hypertrophic cardiomyopathy. Last evaluated: 2024-07-16. Review status: criteria provided, single submitter. Criteria: Invitae Variant Classification Sherloc (09022015). Collection method: clinical testing. Allele origin: germline.
Comment: This sequence change replaces serine, which is neutral and polar, with tryptophan, which is neutral and slightly polar, at codon 44 of the TNNI3 protein (p.Ser44Trp). This variant is not present in population databases (gnomAD no frequency). This variant has not been reported in the literature in individuals affected with TNNI3-related conditions. ClinVar contains an entry for this variant (Variation ID: 181597). An algorithm developed to predict the effect of missense changes on protein structure and function (PolyPhen-2) suggests that this variant is likely to be disruptive. In summary, the available evidence is currently insufficient to determine the role of this variant in disease. Therefore, it has been classified as a Variant of Uncertain Significance.

Ambry Genetics
Classification: Uncertain significance for Cardiovascular phenotype. Last evaluated: 2020-06-22. Review status: criteria provided, single submitter. Criteria: Ambry Variant Classification Scheme 2023. Collection method: clinical testing. Allele origin: germline.
Comment: The p.S44W variant (also known as c.131C>G), located in coding exon 4 of the TNNI3 gene, results from a C to G substitution at nucleotide position 131. The serine at codon 44 is replaced by tryptophan, an amino acid with highly dissimilar properties. This amino acid position is highly conserved in available vertebrate species. In addition, this alteration is predicted to be deleterious by in silico analysis. Since supporting evidence is limited at this time, the clinical significance of this alteration remains unclear.

GeneDx
Classification: Likely pathogenic. Last evaluated: 2011-11-15. Review status: criteria provided, single submitter. Criteria: GeneDx Variant Classification (06012015). Collection method: clinical testing. Allele origin: germline. Affected: yes.
Comment: The Ser44Trp variant in the TNNI3 gene has not been reported previously as a disease-causing mutation or as a benign polymorphism, to our knowledge. Ser44Trp results in a non-conservative amino acid substitution of a neutral, polar Serine with a non-polar Tryptophan at a position that is conserved throughout evolution. Three in silico analysis programs predict Ser44Trp is probably damaging to protein structure/function. Although there is one missense mutation nearby (Lys36Gln) that has been reported in association with cardiomyopathy, there are very few reported missense mutations in the N-terminus of TNNI3. Finally, Ser44Trp was not detected in up to 200 control alleles from Caucasian individuals tested at GeneDx, indicating it is not a common variant in this population. The variant is found in DCM panel(s).

PreventionGenetics, part of Exact Sciences
Classification: Uncertain significance for TNNI3-related condition. Last evaluated: 2024-01-19. Review status: no assertion criteria provided. Collection method: clinical testing. Allele origin: germline. Not counted in ClinVar's aggregate classification.
Comment: The TNNI3 c.131C>G variant is predicted to result in the amino acid substitution p.Ser44Trp. To our knowledge, this variant has not been reported in the literature or in a large population database, indicating this variant is rare. At this time, the clinical significance of this variant is uncertain due to the absence of conclusive functional and genetic evidence.

NM_000363.5(TNNI3):c.131C>G (p.Ser44Trp)

Gene: TNNI3 (troponin I3, cardiac type; minus strand). Cytogenetic location: 19q13.42.
Variant type: single nucleotide variant.
Coding change: c.131C>G on transcript NM_000363.5 (MANE Select); coding-DNA position 131, C replaced by G.
Protein change: p.Ser44Trp; replaces serine 44 with tryptophan.
Molecular consequence: missense variant.
Genome position (GRCh38, 1-based): chr19:55,156,622, G>C on the plus strand (C>G on the coding strand, the complement: TNNI3 is on the minus strand). VCF-style: chr19-55156622-G-C. GRCh37 (hg19) VCF-style: chr19-55667990-G-C.
Other names: p.S44W:TCG>TGG; c.131C>G (LRG_432t1); short protein forms S44W.
Identifiers: ClinVar variation 181597 (VCV000181597.15), dbSNP rs730881085, ClinGen allele CA021278.